The following is an entry in ClinVar:

ClinVar aggregate classification (germline): Likely benign (0 of 4 stars; one submission).

Conditions:
TRIO-related disorder. Also called: TRIO-related disorders; TRIO-related condition.

Allele frequency attached by ClinVar (database versions not stated): 1000 Genomes Project 0.00020; 1000 Genomes Project 30x 0.00031; ESP Exome Variant Server 0.00046.
gnomAD v4.1: 139 of 1,602,870 alleles (0.0087%); highest among the groups gnomAD compares: African/African-American, 0.18%; 1 homozygote.

Submission:

PreventionGenetics, part of Exact Sciences
Classification: Likely benign for TRIO-related condition. Last evaluated: 2020-08-20. Review status: no assertion criteria provided. Collection method: clinical testing. Allele origin: germline.
Comment: This variant is classified as likely benign based on ACMG/AMP sequence variant interpretation guidelines (Richards et al. 2015 PMID: 25741868, with internal and published modifications).

NM_007118.4(TRIO):c.3332-8T>G

Gene: TRIO (trio Rho guanine nucleotide exchange factor; plus strand). Cytogenetic location: 5p15.2.
Variant type: single nucleotide variant.
Coding change: c.3332-8T>G on transcript NM_007118.4 (MANE Select); 8 bases into the intron before coding-DNA position 3332, T replaced by G.
Molecular consequence: intron variant.
Genome position (GRCh38, 1-based): chr5:14,378,004, T>G. VCF-style: chr5-14378004-T-G. GRCh37 (hg19) VCF-style: chr5-14378113-T-G.
Identifiers: ClinVar variation 3055082 (VCV003055082.2), dbSNP rs369818812, ClinGen allele CA3206157.
Genomic context (GRCh38, chr5:14,378,004, plus strand): 5'-AATGGAATTTCGCGGTTGTTTTAATTGATTGCAAGCACCAACATACATCATTTTCTTTTT[T>G]CTCTCAGATATCTTGAATGAACTCTTCCAACGGGAGAACAGGGTATTGCATTACTGGACC-3'